The following is an entry in ClinVar:

NM_001377.3(DYNC2H1):c.72G>A (p.Met24Ile)

Gene: DYNC2H1 (dynein cytoplasmic 2 heavy chain 1; plus strand). Cytogenetic location: 11q22.3.
Variant type: single nucleotide variant.
Coding change: c.72G>A on transcript NM_001377.3 (MANE Select); coding-DNA position 72, G replaced by A.
Protein change: p.Met24Ile; replaces methionine 24 with isoleucine.
Molecular consequence: missense variant.
Genome position (GRCh38, 1-based): chr11:103,109,646, G>A. VCF-style: chr11-103109646-G-A. GRCh37 (hg19) VCF-style: chr11-102980375-G-A.
Other names: c.72G>A, p.Met24Ile (NM_001080463.2); short protein forms M24I.
Identifiers: ClinVar variation 2180472 (VCV002180472.3), dbSNP rs1858013476, ClinGen allele CA382240833.

ClinVar aggregate classification (germline): Uncertain significance (1 of 4 stars; one submission).

Conditions:
Jeune thoracic dystrophy. Also called: Jeune syndrome; Infantile thoracic dystrophy; Thoracic pelvic phalangeal dystrophy; Jeune's syndrome; Chondroectodermal dysplasia-like syndrome; Short-rib thoracic dysplasia. Identifiers: Orphanet 474, MedGen C0265275, MONDO:0018770.

Allele frequency attached by ClinVar (database versions not stated): gnomAD exomes below 0.00001.
gnomAD v4.1: 1 of 1,613,890 alleles (0.000062%); highest among the groups gnomAD compares: East Asian, 0.0022%; no homozygotes.

Submission:

Labcorp Genetics (formerly Invitae), Labcorp
Classification: Uncertain significance for Jeune thoracic dystrophy. Last evaluated: 2025-01-20. Review status: criteria provided, single submitter. Criteria: Invitae Variant Classification Sherloc (09022015). Collection method: clinical testing. Allele origin: germline.
Comment: This sequence change replaces methionine, which is neutral and non-polar, with isoleucine, which is neutral and non-polar, at codon 24 of the DYNC2H1 protein (p.Met24Ile). This variant is not present in population databases (gnomAD no frequency). This variant has not been reported in the literature in individuals affected with DYNC2H1-related conditions. ClinVar contains an entry for this variant (Variation ID: 2180472). Invitae Evidence Modeling of protein sequence and biophysical properties (such as structural, functional, and spatial information, amino acid conservation, physicochemical variation, residue mobility, and thermodynamic stability) indicates that this missense variant is not expected to disrupt DYNC2H1 protein function with a negative predictive value of 95%. In summary, the available evidence is currently insufficient to determine the role of this variant in disease. Therefore, it has been classified as a Variant of Uncertain Significance.